The following is an entry in ClinVar:

NM_000709.4(BCKDHA):c.*134C>T

Gene: BCKDHA (branched chain keto acid dehydrogenase E1 subunit alpha; plus strand). Cytogenetic location: 19q13.2.
Variant type: single nucleotide variant.
Coding change: c.*134C>T on transcript NM_000709.4 (MANE Select); 134 bases downstream of the stop codon, C replaced by T.
Molecular consequence: 3 prime UTR variant.
Genome position (GRCh38, 1-based): chr19:41,424,742, C>T. VCF-style: chr19-41424742-C-T. GRCh37 (hg19) VCF-style: chr19-41930647-C-T.
Other names: c.*134C>T (NM_001164783.2).
Identifiers: ClinVar variation 894411 (VCV000894411.4), dbSNP rs150173947, ClinGen allele CA9461457.

ClinVar aggregate classification (germline): Likely benign (1 of 4 stars; one submission).

Conditions:
Maple syrup urine disease (MSUD). Identifiers: Orphanet 511, MedGen C0024776, MeSH D008375, MONDO:0009563. Disease mechanism: loss of function.

Allele frequency attached by ClinVar (database versions not stated): gnomAD 0.00014 and 0.00027; TOPMed 0.00031; gnomAD exomes 0.00057; ExAC 0.00083; 1000 Genomes Project 30x 0.00141; 1000 Genomes Project 0.00160.
gnomAD v4.1: 326 of 1,021,890 alleles (0.032%); highest among the groups gnomAD compares: East Asian, 0.59%; no homozygotes.

Submission:

Illumina Laboratory Services, Illumina
Classification: Likely benign for Maple syrup urine disease type 1A. Last evaluated: 2018-01-12. Review status: criteria provided, single submitter. Criteria: ICSL Variant Classification Criteria 13 December 2019. Collection method: clinical testing. Allele origin: germline.
Comment: This variant was observed in the ICSL laboratory as part of a predisposition screen in an ostensibly healthy population. It had not been previously curated by ICSL or reported in the Human Gene Mutation Database (HGMD: prior to June 1st, 2018), and was therefore a candidate for classification through an automated scoring system. Utilizing variant allele frequency, disease prevalence and penetrance estimates, and inheritance mode, an automated score was calculated to assess if this variant is too frequent to cause the disease. Based on the score and internal cut-off values, a variant classified as likely benign is not then subjected to further curation. The score for this variant resulted in a classification of likely benign for this disease.